The following is an entry in ClinVar:

ClinVar aggregate classification (germline): Uncertain significance (1 of 4 stars; one submission).

Submission:

Labcorp Genetics (formerly Invitae), Labcorp
Classification: Uncertain significance. Last evaluated: 2021-12-01. Review status: criteria provided, single submitter. Criteria: Invitae Variant Classification Sherloc (09022015). Collection method: clinical testing. Allele origin: germline.
Comment: In summary, the available evidence is currently insufficient to determine the role of this variant in disease. Therefore, it has been classified as a Variant of Uncertain Significance. Algorithms developed to predict the effect of missense changes on protein structure and function are either unavailable or do not agree on the potential impact of this missense change (SIFT: "Tolerated"; PolyPhen-2: "Probably Damaging"; Align-GVGD: "Class C0"). This variant has not been reported in the literature in individuals affected with MYLK3-related conditions. This variant is not present in population databases (gnomAD no frequency). This sequence change replaces glycine, which is neutral and non-polar, with serine, which is neutral and polar, at codon 623 of the MYLK3 protein (p.Gly623Ser).

NM_182493.3(MYLK3):c.1867G>A (p.Gly623Ser)

Gene: MYLK3 (myosin light chain kinase 3; minus strand). Cytogenetic location: 16q11.2.
Variant type: single nucleotide variant.
Coding change: c.1867G>A on transcript NM_182493.3 (MANE Select); coding-DNA position 1867, G replaced by A.
Protein change: p.Gly623Ser; replaces glycine 623 with serine.
Molecular consequence: missense variant.
Genome position (GRCh38, 1-based): chr16:46,727,283, C>T on the plus strand (G>A on the coding strand, the complement: MYLK3 is on the minus strand). VCF-style: chr16-46727283-C-T. GRCh37 (hg19) VCF-style: chr16-46761195-C-T.
Other names: c.844G>A, p.Gly282Ser (NM_001308301.1); short protein forms G282S, G623S.
Identifiers: ClinVar variation 2023306 (VCV002023306.4), dbSNP rs2548903709, ClinGen allele CA395789775.